The following is an entry in ClinVar:

ClinVar aggregate classification (germline): Benign/Likely benign. Review status: criteria provided, multiple submitters, no conflicts (2 of 4 stars). 6 submissions from 6 submitters: Benign (1); Likely benign (5). Last evaluated 2025-10-02.

Conditions:
Cardiovascular phenotype. Identifiers: MedGen CN230736.
Cardiomyopathy (CMYO). Also called: Cardiomyopathies. Identifiers: Orphanet 167848, MedGen C0878544, MONDO:0004994, HP:0001638. Inheritance: Various modes of inheritance.
Hypertrophic cardiomyopathy. Also called: HYPERTROPHIC MYOCARDIOPATHY. Identifiers: Orphanet 217569, MedGen C0007194, MeSH D002312, MONDO:0005045, HP:0001639.
Lethal congenital glycogen storage disease of heart. Also called: PHOSPHORYLASE KINASE DEFICIENCY OF HEART; GLYCOGEN STORAGE DISEASE OF HEART. Identifiers: Orphanet 439854, MedGen C1849813, MONDO:0009867, OMIM 261740.

Allele frequency attached by ClinVar (database versions not stated): ExAC 0.00018; gnomAD exomes 0.00018 and 0.00006; 1000 Genomes Project 0.00020; gnomAD below 0.00001 and 0.00003; TOPMed 0.00001; ESP Exome Variant Server 0.00008; 1000 Genomes Project 30x 0.00016.
gnomAD v4.1: 102 of 1,614,132 alleles (0.0063%); highest among the groups gnomAD compares: South Asian, 0.099%; no homozygotes.

Submissions (6):

Labcorp Genetics (formerly Invitae), Labcorp
Classification: Benign for Lethal congenital glycogen storage disease of heart. Last evaluated: 2025-10-02. Review status: criteria provided, single submitter. Criteria: Invitae Variant Classification Sherloc (09022015). Collection method: clinical testing. Allele origin: germline.

Blueprint Genetics
Classification: Likely benign. Last evaluated: 2024-03-20. Review status: criteria provided, single submitter. Criteria: ACMG Guidelines, 2015. Collection method: clinical testing. Allele origin: germline.

All of Us Research Program, National Institutes of Health
Classification: Likely benign for Hypertrophic cardiomyopathy. Last evaluated: 2023-12-13. Review status: criteria provided, single submitter. Criteria: ACMG Guidelines, 2015. Collection method: clinical testing. Allele origin: germline. Inheritance: Autosomal dominant inheritance. Observed: 4 variant alleles, 4 heterozygotes.
Comment: This study involves interpretation of variants in research participants for the purpose of population health screening. Participant phenotype was not available at the time of variant classification. Additional details can be found in publication PMID: 35346344, PMCID: PMC8962531

Ambry Genetics
Classification: Likely benign for Cardiovascular phenotype. Last evaluated: 2023-09-11. Review status: criteria provided, single submitter. Criteria: Ambry Variant Classification Scheme 2023. Collection method: clinical testing. Allele origin: germline.

GeneDx
Classification: Likely benign. Last evaluated: 2021-05-20. Review status: criteria provided, single submitter. Criteria: GeneDx Variant Classification Process June 2021. Collection method: clinical testing. Allele origin: germline. Affected: yes.

Color Diagnostics, LLC DBA Color Health
Classification: Likely benign for Cardiomyopathy. Last evaluated: 2018-10-18. Review status: criteria provided, single submitter. Criteria: ACMG Guidelines, 2015. Collection method: clinical testing. Allele origin: germline.

NM_016203.4(PRKAG2):c.810T>C (p.Cys270=)

Gene: PRKAG2 (protein kinase AMP-activated non-catalytic subunit gamma 2; minus strand). Cytogenetic location: 7q36.1.
Variant type: single nucleotide variant.
Coding change: c.810T>C on transcript NM_016203.4 (MANE Select); coding-DNA position 810, T replaced by C.
Protein change: p.Cys270=; no amino-acid change (cysteine 270 retained).
Molecular consequence: synonymous variant.
Genome position (GRCh38, 1-based): chr7:151,595,399, A>G on the plus strand (T>C on the coding strand, the complement: PRKAG2 is on the minus strand). VCF-style: chr7-151595399-A-G. GRCh37 (hg19) VCF-style: chr7-151292485-A-G.
Other names: c.678T>C, p.Cys226= (NM_001040633.2); c.435T>C, p.Cys145= (NM_001304527.2); c.87T>C, p.Cys29= (NM_001304531.2, NM_024429.2); c.438T>C, p.Cys146= (NM_001363698.2).
Identifiers: ClinVar variation 390890 (VCV000390890.17), dbSNP rs61752000, ClinGen allele CA058466.